The following is an entry in ClinVar:

ClinVar aggregate classification (germline): Uncertain significance (1 of 4 stars; one submission).

Conditions:
Deficiency of adenosine deaminase 2. Also called: Polyarteritis nodosa, childhoood-onset; Adenosine Deaminase 2 Deficiency; VASCULITIS, AUTOINFLAMMATION, IMMUNODEFICIENCY, AND HEMATOLOGIC DEFECTS SYNDROME. Identifiers: Orphanet 404553, MedGen C3887654, MONDO:0014306, OMIM 615688, MONDO:0100317.

Submission:

Labcorp Genetics (formerly Invitae), Labcorp
Classification: Uncertain significance for Deficiency of adenosine deaminase 2. Last evaluated: 2022-07-11. Review status: criteria provided, single submitter. Criteria: Invitae Variant Classification Sherloc (09022015). Collection method: clinical testing. Allele origin: germline.
Comment: This variant results in a copy number gain of the genomic region encompassing exon(s) 2-4 of the ADA2 gene. This region includes the initiator codon of the gene. This copy number gain extends beyond the assayed region for this gene and therefore may encompass additional genes. As the precise location of this event is unknown, it may be in tandem or it may be located elsewhere in the genome. This variant has not been reported in the literature in individuals affected with ADA2-related conditions. In summary, the available evidence is currently insufficient to determine the role of this variant in disease. Therefore, it has been classified as a Variant of Uncertain Significance.

NC_000022.10:g.(?_17684433)_(17690567_?)dup

Gene: ADA2 (adenosine deaminase 2; minus strand). Cytogenetic location: 22q11.1.
Variant type: Duplication.
Identifiers: ClinVar variation 2424098 (VCV002424098.5).